The following is an entry in ClinVar:

ClinVar aggregate classification (germline): Benign/Likely benign. Review status: criteria provided, multiple submitters, no conflicts (2 of 4 stars). 4 submissions from 4 submitters: Benign (1); Likely benign (1). 2 of the submissions do not count toward it. Last evaluated 2026-02-02.

Conditions:
ATP7A-related disorder. Also called: ATP7A-related condition.
Menkes kinky-hair syndrome (MNK). Also called: Copper transport disease; Menkes Disease; Classic Menkes Disease. Identifiers: Orphanet 565, MedGen C0022716, MONDO:0010651, OMIM 309400.
Cutis laxa, X-linked (OHS). Also called: EDS IX; Occipital horn syndrome. Identifiers: Orphanet 198, MedGen C0268353, MONDO:0010572, OMIM 304150.
X-linked distal spinal muscular atrophy type 3. Also called: SPINAL MUSCULAR ATROPHY, DISTAL, X-LINKED RECESSIVE; ATP7A-Related Distal Motor Neuropathy; NEURONOPATHY, DISTAL HEREDITARY MOTOR, X-LINKED; NEUROPATHY, DISTAL HEREDITARY MOTOR, X-LINKED. Identifiers: Orphanet 139557, MedGen C1845359, MONDO:0010338, OMIM 300489.

Allele frequency attached by ClinVar (database versions not stated): gnomAD exomes 0.00002 and 0.00005; ExAC 0.00007; gnomAD 0.00026 and 0.00027; TOPMed 0.00026; ESP Exome Variant Server 0.00047.
gnomAD v4.1: 51 of 1,209,631 alleles (0.0042%); highest among the groups gnomAD compares: African/African-American, 0.07%; no homozygotes.

Submissions (4):

Labcorp Genetics (formerly Invitae), Labcorp
Classification: Benign for X-linked distal spinal muscular atrophy type 3; Cutis laxa, X-linked; Menkes kinky-hair syndrome. Last evaluated: 2026-02-02. Review status: criteria provided, single submitter. Criteria: Invitae Variant Classification Sherloc (09022015). Collection method: clinical testing. Allele origin: germline.

GeneDx
Classification: Likely benign. Last evaluated: 2021-01-11. Review status: criteria provided, single submitter. Criteria: GeneDx Variant Classification Process June 2021. Collection method: clinical testing. Allele origin: germline. Affected: yes.

Natera, Inc.
Classification: Likely benign for Menkes kinky hair syndrome. Last evaluated: 2020-08-12. Review status: no assertion criteria provided. Collection method: clinical testing. Allele origin: germline. Not counted in ClinVar's aggregate classification.

PreventionGenetics, part of Exact Sciences
Classification: Likely benign for ATP7A-related condition. Last evaluated: 2019-08-14. Review status: no assertion criteria provided. Collection method: clinical testing. Allele origin: germline. Not counted in ClinVar's aggregate classification.
Comment: This variant is classified as likely benign based on ACMG/AMP sequence variant interpretation guidelines (Richards et al. 2015 PMID: 25741868, with internal and published modifications).

NM_000052.7(ATP7A):c.282G>A (p.Ala94=)

Gene: ATP7A (ATPase copper transporting alpha; plus strand). Cytogenetic location: Xq21.1.
Variant type: single nucleotide variant.
Coding change: c.282G>A on transcript NM_000052.7 (MANE Select); coding-DNA position 282, G replaced by A.
Protein change: p.Ala94=; no amino-acid change (alanine 94 retained).
Molecular consequence: synonymous variant.
Genome position (GRCh38, 1-based): chrX:77,988,403, G>A. VCF-style: chrX-77988403-G-A. GRCh37 (hg19) VCF-style: chrX-77243899-G-A.
Other names: c.282G>A (NM_000052.4); c.282G>A, p.Ala94= (NM_001282224.2).
Identifiers: ClinVar variation 766955 (VCV000766955.16), dbSNP rs370700841, ClinGen allele CA10458905.